The following is an entry in ClinVar:

NM_020921.4(NIN):c.1260-6T>C

Gene: NIN (ninein; minus strand). Cytogenetic location: 14q22.1.
Variant type: single nucleotide variant.
Coding change: c.1260-6T>C on transcript NM_020921.4 (MANE Select); 6 bases into the intron before coding-DNA position 1260, T replaced by C.
Molecular consequence: intron variant.
Genome position (GRCh38, 1-based): chr14:50,770,568, A>G on the plus strand (T>C on the coding strand, the complement: NIN is on the minus strand). VCF-style: chr14-50770568-A-G. GRCh37 (hg19) VCF-style: chr14-51237286-A-G.
Other names: c.1260-6T>C (NM_016350.5, NM_182946.2, NM_182944.3).
Identifiers: ClinVar variation 2964198 (VCV002964198.3), dbSNP rs2506059110, ClinGen allele CA2740097078.
Genomic context (GRCh38, chr14:50,770,568, plus strand): 5'-TCGGAGTTCATTTTTTAAGGCTGCTATTCGCTCCTTGTACTCTTCATCCAGTTTCCTGTA[A>G]CGAAGAAAAATGGACAAGCTGCCATCACGTCTTTCAGAGGTCCCAGTATCAATCTACCAA-3'

ClinVar aggregate classification (germline): Uncertain significance (1 of 4 stars; one submission).

Submission:

Labcorp Genetics (formerly Invitae), Labcorp
Classification: Uncertain significance. Last evaluated: 2024-02-19. Review status: criteria provided, single submitter. Criteria: Invitae Variant Classification Sherloc (09022015). Collection method: clinical testing. Allele origin: germline.
Comment: This sequence change falls in intron 11 of the NIN gene. It does not directly change the encoded amino acid sequence of the NIN protein. This variant is not present in population databases (gnomAD no frequency). This variant has not been reported in the literature in individuals affected with NIN-related conditions. Algorithms developed to predict the effect of sequence changes on RNA splicing suggest that this variant may create or strengthen a splice site. In summary, the available evidence is currently insufficient to determine the role of this variant in disease. Therefore, it has been classified as a Variant of Uncertain Significance.